The following is an entry in ClinVar:

ClinVar aggregate classification (germline): Uncertain significance (1 of 4 stars; one submission).

Submission:

Labcorp Genetics (formerly Invitae), Labcorp
Classification: Uncertain significance. Last evaluated: 2022-07-19. Review status: criteria provided, single submitter. Criteria: Invitae Variant Classification Sherloc (09022015). Collection method: clinical testing. Allele origin: germline.
Comment: In summary, the available evidence is currently insufficient to determine the role of this variant in disease. Therefore, it has been classified as a Variant of Uncertain Significance. Algorithms developed to predict the effect of missense changes on protein structure and function are either unavailable or do not agree on the potential impact of this missense change (SIFT: "Not Available"; PolyPhen-2: "Probably Damaging"; Align-GVGD: "Not Available"). This variant has not been reported in the literature in individuals affected with UNC80-related conditions. This variant is not present in population databases (gnomAD no frequency). This sequence change replaces leucine, which is neutral and non-polar, with arginine, which is basic and polar, at codon 1973 of the UNC80 protein (p.Leu1973Arg).

NM_001371986.1(UNC80):c.6116T>G (p.Leu2039Arg)

Gene: UNC80 (unc-80 subunit of NALCN channel complex; plus strand). Cytogenetic location: 2q34.
Variant type: single nucleotide variant.
Coding change: c.6116T>G on transcript NM_001371986.1 (MANE Select); coding-DNA position 6116, T replaced by G.
Protein change: p.Leu2039Arg; replaces leucine 2039 with arginine.
Molecular consequence: missense variant.
Genome position (GRCh38, 1-based): chr2:209,933,943, T>G. VCF-style: chr2-209933943-T-G. GRCh37 (hg19) VCF-style: chr2-210798667-T-G.
Other names: c.5918T>G, p.Leu1973Arg (NM_032504.2); c.5903T>G, p.Leu1968Arg (NM_182587.4); short protein forms L1968R, L1973R, L2039R.
Identifiers: ClinVar variation 1719784 (VCV001719784.5), dbSNP rs2471154250, ClinGen allele CA350769075.